The following is an entry in ClinVar:

NM_022464.5(SIL1):c.-1T>C

Gene: SIL1 (SIL1 nucleotide exchange factor; minus strand). Cytogenetic location: 5q31.2.
Variant type: single nucleotide variant.
Coding change: c.-1T>C on transcript NM_022464.5 (MANE Select); 1 bases upstream of the start codon, T replaced by C.
Molecular consequence: 5 prime UTR variant.
Genome position (GRCh38, 1-based): chr5:139,127,844, A>G on the plus strand (T>C on the coding strand, the complement: SIL1 is on the minus strand). VCF-style: chr5-139127844-A-G. GRCh37 (hg19) VCF-style: chr5-138463533-A-G.
Other names: c.-1T>C (NM_001037633.2).
Identifiers: ClinVar variation 351102 (VCV000351102.6), dbSNP rs866405224, ClinGen allele CA10620277.
Genomic context (GRCh38, chr5:139,127,844, plus strand): 5'-CAGCCCAAGCAGCATGCCCAGAGGAGCCATCCTAGATGAAGGCAGGCTCTGGGGAGCCAT[A>G]GTCAGGGACCTGCAGGTGCAAGCATAGACAACAGAAGGTCAATGAAAAGCTAATGCTTGG-3'

ClinVar aggregate classification (germline): Conflicting classifications of pathogenicity. Review status: criteria provided, conflicting classifications (1 of 4 stars). 2 submissions from 2 submitters: Uncertain significance (1); Likely benign (1). Last evaluated 2026-02-18.

Conditions:
SIL1-related disorder. Also called: SIL1-related condition.
Marinesco-Sjögren syndrome (MSS). Also called: Marinesco-Sjogren Syndrome; Marinesco-SjÃ¶gren syndrome. Identifiers: Orphanet 559, MedGen C0024814, MONDO:0009567, OMIM 248800.

gnomAD v4.1: 6 of 1,597,522 alleles (0.00038%); highest among the groups gnomAD compares: Middle Eastern, 0.1%; no homozygotes.

Submissions (2):

PreventionGenetics, part of Exact Sciences
Classification: Likely benign for SIL1-related condition. Last evaluated: 2026-02-18. Review status: criteria provided, single submitter. Criteria: ACMG Guidelines, 2015. Collection method: clinical testing. Allele origin: germline.
Comment: This variant is classified as likely benign based on ACMG/AMP sequence variant interpretation guidelines (Richards et al. 2015 PMID: 25741868, with internal and published modifications).

Illumina Laboratory Services, Illumina
Classification: Uncertain significance for Marinesco-Sjögren syndrome. Last evaluated: 2018-01-13. Review status: criteria provided, single submitter. Criteria: ICSL Variant Classification Criteria 13 December 2019. Collection method: clinical testing. Allele origin: germline.